The following is an entry in ClinVar:

NM_198578.4(LRRK2):c.1912T>C (p.Phe638Leu)

Gene: LRRK2 (leucine rich repeat kinase 2; plus strand). Cytogenetic location: 12q12.
Variant type: single nucleotide variant.
Coding change: c.1912T>C on transcript NM_198578.4 (MANE Select); coding-DNA position 1912, T replaced by C.
Protein change: p.Phe638Leu; replaces phenylalanine 638 with leucine.
Molecular consequence: missense variant.
Genome position (GRCh38, 1-based): chr12:40,274,964, T>C. VCF-style: chr12-40274964-T-C. GRCh37 (hg19) VCF-style: chr12-40668766-T-C.
Other names: short protein forms F638L.
Identifiers: ClinVar variation 2447287 (VCV002447287.2), dbSNP rs2499625623, ClinGen allele CA384403640.

ClinVar aggregate classification (germline): Uncertain significance (1 of 4 stars; one submission).

Conditions:
Inborn genetic diseases. Identifiers: MedGen C0950123, MeSH D030342.

Submission:

Ambry Genetics
Classification: Uncertain significance for Inborn genetic diseases. Last evaluated: 2023-02-04. Review status: criteria provided, single submitter. Criteria: Ambry Variant Classification Scheme 2023. Collection method: clinical testing. Allele origin: germline.
Comment: The p.F638L variant (also known as c.1912T>C), located in coding exon 16 of the LRRK2 gene, results from a T to C substitution at nucleotide position 1912. The phenylalanine at codon 638 is replaced by leucine, an amino acid with highly similar properties. This amino acid position is conserved. In addition, the in silico prediction for this alteration is inconclusive. Since supporting evidence is limited at this time, the clinical significance of this alteration remains unclear.